The following is an entry in ClinVar:

NM_001110556.2(FLNA):c.6386C>T (p.Pro2129Leu)

Gene: FLNA (filamin A; minus strand). Cytogenetic location: Xq28.
Variant type: single nucleotide variant.
Coding change: c.6386C>T on transcript NM_001110556.2 (MANE Select); coding-DNA position 6386, C replaced by T.
Protein change: p.Pro2129Leu; replaces proline 2129 with leucine.
Molecular consequence: missense variant.
Genome position (GRCh38, 1-based): chrX:154,352,669, G>A on the plus strand (C>T on the coding strand, the complement: FLNA is on the minus strand). VCF-style: chrX-154352669-G-A. GRCh37 (hg19) VCF-style: chrX-153581037-G-A.
Other names: c.6362C>T, p.Pro2121Leu (NM_001456.4); short protein forms P2121L, P2129L.
Identifiers: ClinVar variation 3750055 (VCV003750055.6).

ClinVar aggregate classification (germline): Uncertain significance. Review status: criteria provided, multiple submitters, no conflicts (2 of 4 stars). 2 submissions from 2 submitters: Uncertain significance (2). Last evaluated 2026-02-01.

Conditions:
Frontometaphyseal dysplasia (FMD1). Identifiers: Orphanet 1826, MedGen C0265293, MONDO:0015942.
Melnick-Needles syndrome (MNS). Also called: MELNICK-NEEDLES OSTEODYSPLASTY; OSTEODYSPLASTY OF MELNICK AND NEEDLES; Melnick-Needles Syndrome (FLNA-MNS). Identifiers: Orphanet 2484, MedGen C0025237, MONDO:0010650, OMIM 309350.
Oto-palato-digital syndrome, type II (OPD2). Also called: Otopalatodigital Syndrome, Type II; FACIOPALATOOSSEOUS SYNDROME; OPD II SYNDROME; Otopalatodigital Syndrome Type 2 (FLNA-OPD2). Identifiers: Orphanet 669, Orphanet 90652, MedGen C1844696, MONDO:0010571, OMIM 304120.
Heterotopia, periventricular, X-linked dominant (PVNH1). Also called: PERIVENTRICULAR NODULAR HETEROTOPIA 1; X-linked periventricular heterotopia; PERIVENTRICULAR NODULAR HETEROTOPIA 4; HETEROTOPIA, PERIVENTRICULAR, 1. Identifiers: Orphanet 2149, Orphanet 82004, MedGen C1848213, MONDO:0010233, OMIM 300049.

gnomAD v4.1: 1 of 1,211,916 alleles (0.000083%); highest among the groups gnomAD compares: Non-Finnish European, 0.00011%; no homozygotes.

Submissions (2):

CeGaT Center for Human Genetics Tuebingen
Classification: Uncertain significance. Last evaluated: 2026-02-01. Review status: criteria provided, single submitter. Criteria: CeGaT Center For Human Genetics Tuebingen Variant Classification Criteria Version 2. Collection method: clinical testing. Allele origin: germline. Affected: yes. Observed: 1 variant allele.
Comment: FLNA: PM2, PP3, PS2:Supporting

Labcorp Genetics (formerly Invitae), Labcorp
Classification: Uncertain significance for Oto-palato-digital syndrome, type II; Heterotopia, periventricular, X-linked dominant; Frontometaphyseal dysplasia; Melnick-Needles syndrome. Last evaluated: 2024-08-03. Review status: criteria provided, single submitter. Criteria: Invitae Variant Classification Sherloc (09022015). Collection method: clinical testing. Allele origin: germline.
Comment: This sequence change replaces proline, which is neutral and non-polar, with leucine, which is neutral and non-polar, at codon 2121 of the FLNA protein (p.Pro2121Leu). This variant is not present in population databases (gnomAD no frequency). This variant has not been reported in the literature in individuals affected with FLNA-related conditions. Advanced modeling of protein sequence and biophysical properties (such as structural, functional, and spatial information, amino acid conservation, physicochemical variation, residue mobility, and thermodynamic stability) has been performed at Invitae for this missense variant, however the output from this modeling did not meet the statistical confidence thresholds required to predict the impact of this variant on FLNA protein function. In summary, the available evidence is currently insufficient to determine the role of this variant in disease. Therefore, it has been classified as a Variant of Uncertain Significance.